The following is an entry in ClinVar:

ClinVar aggregate classification (germline): Uncertain significance (1 of 4 stars; one submission).

Submission:

Labcorp Genetics (formerly Invitae), Labcorp
Classification: Uncertain significance. Last evaluated: 2022-12-12. Review status: criteria provided, single submitter. Criteria: Invitae Variant Classification Sherloc (09022015). Collection method: clinical testing. Allele origin: germline.
Comment: In summary, the available evidence is currently insufficient to determine the role of this variant in disease. Therefore, it has been classified as a Variant of Uncertain Significance. Advanced modeling of protein sequence and biophysical properties (such as structural, functional, and spatial information, amino acid conservation, physicochemical variation, residue mobility, and thermodynamic stability) has been performed at Invitae for this missense variant, however the output from this modeling did not meet the statistical confidence thresholds required to predict the impact of this variant on TYR protein function. ClinVar contains an entry for this variant (Variation ID: 1479676). This variant has not been reported in the literature in individuals affected with TYR-related conditions. This variant is not present in population databases (gnomAD no frequency). This sequence change replaces methionine, which is neutral and non-polar, with lysine, which is basic and polar, at codon 362 of the TYR protein (p.Met362Lys).

NM_000372.5(TYR):c.1085T>A (p.Met362Lys)

Gene: TYR (tyrosinase; plus strand). Cytogenetic location: 11q14.3.
Variant type: single nucleotide variant.
Coding change: c.1085T>A on transcript NM_000372.5 (MANE Select); coding-DNA position 1085, T replaced by A.
Protein change: p.Met362Lys; replaces methionine 362 with lysine.
Molecular consequence: missense variant.
Genome position (GRCh38, 1-based): chr11:89,227,871, T>A. VCF-style: chr11-89227871-T-A. GRCh37 (hg19) VCF-style: chr11-88961039-T-A.
Other names: short protein forms M362K.
Identifiers: ClinVar variation 1479676 (VCV001479676.6), dbSNP rs2135281854, ClinGen allele CA382028398.